The following is an entry in ClinVar:

NM_001042750.2(STAG2):c.1451T>C (p.Met484Thr)

Gene: STAG2 (STAG2 cohesin complex component; plus strand). Cytogenetic location: Xq25.
Variant type: single nucleotide variant.
Coding change: c.1451T>C on transcript NM_001042750.2 (MANE Select); coding-DNA position 1451, T replaced by C.
Protein change: p.Met484Thr; replaces methionine 484 with threonine.
Molecular consequence: missense variant.
Genome position (GRCh38, 1-based): chrX:124,061,258, T>C. VCF-style: chrX-124061258-T-C. GRCh37 (hg19) VCF-style: chrX-123195108-T-C.
Other names: c.1451T>C, p.Met484Thr (NM_001375366.1, NM_001375367.1, NM_001375368.1 and 13 more transcripts); short protein forms M484T.
Identifiers: ClinVar variation 2836165 (VCV002836165.3), dbSNP rs2521734772, ClinGen allele CA414279188.
Genomic context (GRCh38, chrX:124,061,258, plus strand): 5'-ACCACATTGCTCTTTTTAAATTTTAGTTACATGAGCATGCAGCATACCTTGTGGATAGCA[T>C]GTGGGACTGTGCTACTGAGCTGCTGAAAGACTGGGAATGTATGAATAGCTTGTTACTGGA-3'
Protein context (NP_001036215.1, residues 474-494): HEHAAYLVDS[Met484Thr]WDCATELLKD

ClinVar aggregate classification (germline): Uncertain significance (1 of 4 stars; one submission).

Submission:

Labcorp Genetics (formerly Invitae), Labcorp
Classification: Uncertain significance. Last evaluated: 2023-02-10. Review status: criteria provided, single submitter. Criteria: Invitae Variant Classification Sherloc (09022015). Collection method: clinical testing. Allele origin: germline.
Comment: Advanced modeling of protein sequence and biophysical properties (such as structural, functional, and spatial information, amino acid conservation, physicochemical variation, residue mobility, and thermodynamic stability) performed at Invitae indicates that this missense variant is not expected to disrupt STAG2 protein function. In summary, the available evidence is currently insufficient to determine the role of this variant in disease. Therefore, it has been classified as a Variant of Uncertain Significance. This variant has not been reported in the literature in individuals affected with STAG2-related conditions. This variant is not present in population databases (gnomAD no frequency). This sequence change replaces methionine, which is neutral and non-polar, with threonine, which is neutral and polar, at codon 484 of the STAG2 protein (p.Met484Thr).